The following is an entry in ClinVar:

NM_030624.3(KLHL15):c.1333G>A (p.Val445Met)

Gene: KLHL15 (kelch like family member 15; minus strand). Cytogenetic location: Xp22.11.
Variant type: single nucleotide variant.
Coding change: c.1333G>A on transcript NM_030624.3 (MANE Select); coding-DNA position 1333, G replaced by A.
Protein change: p.Val445Met; replaces valine 445 with methionine.
Molecular consequence: missense variant.
Genome position (GRCh38, 1-based): chrX:23,988,403, C>T on the plus strand (G>A on the coding strand, the complement: KLHL15 is on the minus strand). VCF-style: chrX-23988403-C-T. GRCh37 (hg19) VCF-style: chrX-24006520-C-T.
Other names: c.1333G>A (NM_030624.2); short protein forms V445M.
Identifiers: ClinVar variation 3339049 (VCV003339049.3).

ClinVar aggregate classification (germline): Uncertain significance. Review status: criteria provided, multiple submitters, no conflicts (2 of 4 stars). 2 submissions from 2 submitters: Uncertain significance (2). Last evaluated 2025-10-02.

gnomAD v4.1: 12 of 1,210,243 alleles (0.00099%); highest among the groups gnomAD compares: Admixed American, 0.018%; no homozygotes.

Submissions (2):

Ambry Genetics
Classification: Uncertain significance. Last evaluated: 2025-10-02. Review status: criteria provided, single submitter. Criteria: Ambry Variant Classification Scheme 2023. Collection method: clinical testing. Allele origin: germline.

Women's Health and Genetics/Laboratory Corporation of America, LabCorp
Classification: Uncertain significance. Last evaluated: 2025-03-13. Review status: criteria provided, single submitter. Criteria: LabCorp Variant Classification Summary - May 2015. Collection method: clinical testing. Allele origin: germline.
Comment: Variant summary: KLHL15 c.1333G>A (p.Val445Met) results in a conservative amino acid change in the encoded protein sequence. Three of five in-silico tools predict a damaging effect of the variant on protein function. The variant allele was found at a frequency of 2.2e-05 in 183192 control chromosomes. The available data on variant occurrences in the general population are insufficient to allow any conclusion about variant significance. To our knowledge, no occurrence of c.1333G>A in individuals affected with Intellectual Disability, X-Linked 103 and no experimental evidence demonstrating its impact on protein function have been reported. ClinVar contains an entry for this variant (Variation ID: 3339049). Based on the evidence outlined above, the variant was classified as uncertain significance.